The following is an entry in ClinVar:

NM_052947.4(ALPK2):c.875A>G (p.Asn292Ser)

Genes: ALPK2 (alpha kinase 2; minus strand), LOC114803473 (ALPK2 eExon liver enhancer; plus strand). Cytogenetic location: 18q21.31.
Variant type: single nucleotide variant.
Coding change: c.875A>G on transcript NM_052947.4 (MANE Select); coding-DNA position 875, A replaced by G.
Protein change: p.Asn292Ser; replaces asparagine 292 with serine.
Molecular consequence: missense variant.
Genome position (GRCh38, 1-based): chr18:58,579,901, T>C on the plus strand (A>G on the coding strand, the complement: ALPK2 is on the minus strand). VCF-style: chr18-58579901-T-C. GRCh37 (hg19) VCF-style: chr18-56247133-T-C.
Other names: short protein forms N292S.
Identifiers: ClinVar variation 1764560 (VCV001764560.2), dbSNP rs2144199035, ClinGen allele CA402566956.
Genomic context (GRCh38, chr18:58,579,901, plus strand): 5'-GGGCAAAGTTCATAGTCACTGTCAGAGTCTTCACTGGAAAGCTGTGGGCTGGGTTGTTTG[T>C]TGGCCACGGCACTGTCACCTGGGTAAATGTGTGCAGTTGCCTCAGATAGCGGGAGGCTGA-3'
Protein context (NP_443179.3, residues 282-302): HIYPGDSAVA[Asn292Ser]KQPSPQLSSE

ClinVar aggregate classification (germline): Uncertain significance (1 of 4 stars; one submission).

gnomAD v4.1: 2 of 1,614,204 alleles (0.00012%); highest among the groups gnomAD compares: South Asian, 0.0022%; no homozygotes.

Submission:

Ambry Genetics
Classification: Uncertain significance. Last evaluated: 2022-02-05. Review status: criteria provided, single submitter. Criteria: Ambry Variant Classification Scheme 2023. Collection method: clinical testing. Allele origin: germline.
Comment: The p.N292S variant (also known as c.875A>G), located in coding exon 3 of the ALPK2 gene, results from an A to G substitution at nucleotide position 875. The asparagine at codon 292 is replaced by serine, an amino acid with highly similar properties. This amino acid position is conserved. In addition, this alteration is predicted to be tolerated by in silico analysis. Since supporting evidence is limited at this time, the clinical significance of this alteration remains unclear.